The following is an entry in ClinVar:

NM_001112741.2(KCNC1):c.1504+13T>G

Gene: KCNC1 (potassium voltage-gated channel subfamily C member 1; plus strand). Cytogenetic location: 11p15.1.
Variant type: single nucleotide variant.
Coding change: c.1504+13T>G on transcript NM_001112741.2 (MANE Select); 13 bases into the intron after coding-DNA position 1504, T replaced by G.
Molecular consequence: intron variant. On other transcripts: missense variant (1).
Genome position (GRCh38, 1-based): chr11:17,772,611, T>G. VCF-style: chr11-17772611-T-G. GRCh37 (hg19) VCF-style: chr11-17794158-T-G.
Other names: c.1517T>G, p.Leu506Arg (NM_004976.4); short protein forms L506R.
Identifiers: ClinVar variation 3619617 (VCV003619617.4).
Genomic context (GRCh38, chr11:17,772,611, plus strand): 5'-ACACATGTCCGCTGGCCCAGGAAGAAATTTTAGAAATTAACAGAGCAGGTAGGAAACCTC[T>G]TAGAGGCATGTCGATCTGACCTTTCACCTCTGCCCCCTGTAGCGATGATTCCAGATCCAG-3'

ClinVar aggregate classification (germline): Conflicting classifications of pathogenicity. Review status: criteria provided, conflicting classifications (1 of 4 stars). 2 submissions from 2 submitters: Uncertain significance (1); Likely benign (1). Last evaluated 2025-10-24.

Conditions:
Progressive myoclonic epilepsy type 7. Identifiers: Orphanet 435438, MedGen C4015420, MONDO:0014521, OMIM 616187.

Submissions (2):

Labcorp Genetics (formerly Invitae), Labcorp
Classification: Likely benign for Progressive myoclonic epilepsy type 7. Last evaluated: 2025-10-24. Review status: criteria provided, single submitter. Criteria: Invitae Variant Classification Sherloc (09022015). Collection method: clinical testing. Allele origin: germline.

Dasa
Classification: Uncertain significance. Last evaluated: 2024-10-22. Review status: criteria provided, single submitter. Criteria: DASA Assertion Criteria. Collection method: clinical testing. Allele origin: germline.
Comment: NM_004976.4(KCNC1):c.1517T>G (p.Leu506Arg) is a missense variant that results in the substitution of leucine with arginine. This variant is rare in population databases. The currently available literature and clinical evidence are not sufficient to establish a definitive association between this variant and the reported condition. Therefore, this variant is classified as a variant of uncertain significance.